The following is an entry in ClinVar:

ClinVar aggregate classification (germline): Benign/Likely benign. Review status: criteria provided, multiple submitters, no conflicts (2 of 4 stars). 4 submissions from 4 submitters: Benign (1); Likely benign (2). 1 of the submissions does not count toward it. Last evaluated 2025-04-23.

Conditions:
Charcot-Marie-Tooth disease axonal type 2O. Also called: Charcot-Marie-Tooth Neuropathy Type 2O; CHARCOT-MARIE-TOOTH NEUROPATHY, AXONAL, TYPE 2O; CHARCOT-MARIE-TOOTH DISEASE, AXONAL, AUTOSOMAL DOMINANT, TYPE 2O; Charcot-Marie-Tooth disease, axonal, type 20. Identifiers: Orphanet 284232, MedGen C3280220, MONDO:0013644, OMIM 614228.
DYNC1H1-related disorder. Also called: DYNC1H1-related condition; DYNC1H1-related disorders. Identifiers: MedGen CN381529.

Allele frequency attached by ClinVar (database versions not stated): gnomAD exomes below 0.00001; TOPMed 0.00002; gnomAD 0.00005.
gnomAD v4.1: 11 of 1,614,084 alleles (0.00068%); highest among the groups gnomAD compares: Non-Finnish European, 0.00093%; 1 homozygote.

Submissions (4):

Labcorp Genetics (formerly Invitae), Labcorp
Classification: Benign for Charcot-Marie-Tooth disease axonal type 2O. Last evaluated: 2025-04-23. Review status: criteria provided, single submitter. Criteria: Invitae Variant Classification Sherloc (09022015). Collection method: clinical testing. Allele origin: germline.

Blueprint Genetics
Classification: Likely benign. Last evaluated: 2024-09-06. Review status: criteria provided, single submitter. Criteria: ACMG Guidelines, 2015. Collection method: clinical testing. Allele origin: germline.

GeneDx
Classification: Likely benign. Last evaluated: 2017-05-03. Review status: criteria provided, single submitter. Criteria: GeneDx Variant Classification (06012015). Collection method: clinical testing. Allele origin: germline. Affected: yes.
Comment: This variant is considered likely benign or benign based on one or more of the following criteria: it is a conservative change, it occurs at a poorly conserved position in the protein, it is predicted to be benign by multiple in silico algorithms, and/or has population frequency not consistent with disease.

PreventionGenetics, part of Exact Sciences
Classification: Likely benign for DYNC1H1-related condition. Last evaluated: 2022-10-24. Review status: no assertion criteria provided. Collection method: clinical testing. Allele origin: germline. Not counted in ClinVar's aggregate classification.
Comment: This variant is classified as likely benign based on ACMG/AMP sequence variant interpretation guidelines (Richards et al. 2015 PMID: 25741868, with internal and published modifications).

NM_001376.5(DYNC1H1):c.13407G>A (p.Val4469=)

Gene: DYNC1H1 (dynein cytoplasmic 1 heavy chain 1; plus strand). Cytogenetic location: 14q32.31.
Variant type: single nucleotide variant.
Coding change: c.13407G>A on transcript NM_001376.5 (MANE Select); coding-DNA position 13407, G replaced by A.
Protein change: p.Val4469=; no amino-acid change (valine 4469 retained).
Molecular consequence: synonymous variant.
Genome position (GRCh38, 1-based): chr14:102,049,474, G>A. VCF-style: chr14-102049474-G-A. GRCh37 (hg19) VCF-style: chr14-102515811-G-A.
Identifiers: ClinVar variation 509323 (VCV000509323.11), dbSNP rs1445271324, ClinGen allele CA488186776.